The following is an entry in ClinVar:

ClinVar aggregate classification (germline): Pathogenic (1 of 4 stars; one submission).

Conditions:
Hereditary spastic paraplegia 15 (SPG15). Also called: SPASTIC PARAPLEGIA 15, AUTOSOMAL RECESSIVE; KJELLIN SYNDROME; SPASTIC PARAPLEGIA AND RETINAL DEGENERATION. Identifiers: Orphanet 100996, MedGen C1849128, MONDO:0010044, OMIM 270700.

Submission:

Myriad Genetics, Inc.
Classification: Pathogenic for Hereditary spastic paraplegia 15. Last evaluated: 2023-12-08. Review status: criteria provided, single submitter. Criteria: Myriad Autosomal Dominant, Autosomal Recessive and X-Linked Classification Criteria (2023). Collection method: clinical testing. Allele origin: unknown.
Comment: NM_015346.3(ZFYVE26):c.779_780delTC(L260Qfs*44) is expected to be pathogenic in the context of spastic paraplegia type 15. This variant is predicted to lead to an abnormal or absent protein product due to the creation of a premature termination codon in ZFYVE26, a gene where loss-of-function variants are known to be pathogenic. Please note: this variant was assessed in the context of healthy population screening.

NM_015346.4(ZFYVE26):c.779_780del (p.Leu260fs)

Gene: ZFYVE26 (zinc finger FYVE-type containing 26; minus strand). Cytogenetic location: 14q24.1.
Variant type: Deletion.
Coding change: c.779_780del on transcript NM_015346.4 (MANE Select); coding-DNA positions 779 to 780, 2 bases deleted (TC; older notation c.779_780delTC).
Protein change: p.Leu260fs; shifts the reading frame from leucine 260.
Molecular consequence: frameshift variant.
Genome position (GRCh38, 1-based): chr14:67,807,504-67,807,505, GA deleted on the plus strand (TC on the coding strand, the reverse complement: ZFYVE26 is on the minus strand); deleting any 2 consecutive bases within chr14:67,807,504-67,807,506 gives the same sequence; the c. name uses the placement nearest the transcript's 3' end. VCF-style (leftmost placement, unchanged base first): chr14-67807503-TGA-T. GRCh37 (hg19) VCF-style: chr14-68274220-TGA-T.
Other names: short protein forms L260fs.
Identifiers: ClinVar variation 5012551 (VCV005012551.1).